The following is an entry in ClinVar:

NM_000536.4(RAG2):c.1147G>A (p.Glu383Lys)

Gene: RAG2 (recombination activating 2; minus strand). Cytogenetic location: 11p12.
Variant type: single nucleotide variant.
Coding change: c.1147G>A on transcript NM_000536.4 (MANE Select); coding-DNA position 1147, G replaced by A.
Protein change: p.Glu383Lys; replaces glutamic acid 383 with lysine.
Molecular consequence: missense variant.
Genome position (GRCh38, 1-based): chr11:36,593,022, C>T on the plus strand (G>A on the coding strand, the complement: RAG2 is on the minus strand). VCF-style: chr11-36593022-C-T. GRCh37 (hg19) VCF-style: chr11-36614572-C-T.
Other names: c.1147G>A, p.Glu383Lys (NM_001243785.2, NM_001243786.2); short protein forms E383K.
Identifiers: ClinVar variation 860020 (VCV000860020.5), dbSNP rs377569152, ClinGen allele CA5950464.
Genomic context (GRCh38, chr11:36,593,022, plus strand): 5'-TATAGGTGTCAAATTCATCATCACCATCAAAACTATTTGCTTCTGCACTGAAACAAAATT[C>T]TTCAGAGTCTTCAAAGGGAGTGGAATCCCCTGGATCTTCTGTTGATGTTTGACTGTTTGT-3'
Protein context (NP_000527.2, residues 373-393): GDSTPFEDSE[Glu383Lys]FCFSAEANSF

ClinVar aggregate classification (germline): Uncertain significance. Review status: criteria provided, single submitter (1 of 4 stars). 2 submissions from 2 submitters: Uncertain significance (1). 1 of the submissions does not count toward it. Last evaluated 2021-08-24.

Conditions:
Severe combined immunodeficiency, autosomal recessive, T cell-negative, B cell-negative, NK cell-positive. Also called: SCID, T CELL-NEGATIVE, B CELL-NEGATIVE, NK CELL-POSITIVE; SCID, AR, T-cell negative, B-cell negative, NK cell-positive; Severe combined immunodeficiency due to complete RAG1/2 deficiency. Identifiers: Orphanet 331206, MedGen C1832322, MONDO:0011086, OMIM 601457.
Combined immunodeficiency with skin granulomas. Identifiers: Orphanet 157949, MedGen C2673536, MONDO:0009306, OMIM 233650.
Histiocytic medullary reticulosis. Also called: SEVERE COMBINED IMMUNODEFICIENCY WITH HYPEREOSINOPHILIA; Omenn syndrome. Identifiers: Orphanet 39041, MedGen C2700553, MONDO:0011338, OMIM 603554.

Allele frequency attached by ClinVar (database versions not stated): gnomAD exomes 0.00001; ExAC 0.00002; TOPMed 0.00002; gnomAD 0.00003; ESP Exome Variant Server 0.00008.

Submissions (2):

Labcorp Genetics (formerly Invitae), Labcorp
Classification: Uncertain significance for Combined immunodeficiency with skin granulomas; Severe combined immunodeficiency, autosomal recessive, T cell-negative, B cell-negative, NK cell-positive. Last evaluated: 2021-08-24. Review status: criteria provided, single submitter. Criteria: Invitae Variant Classification Sherloc (09022015). Collection method: clinical testing. Allele origin: germline.
Comment: This sequence change replaces glutamic acid with lysine at codon 383 of the RAG2 protein (p.Glu383Lys). The glutamic acid residue is highly conserved and there is a small physicochemical difference between glutamic acid and lysine. This variant is present in population databases (rs377569152, ExAC 0.003%). This variant has not been reported in the literature in individuals affected with RAG2-related conditions. Algorithms developed to predict the effect of missense changes on protein structure and function (SIFT, PolyPhen-2, Align-GVGD) all suggest that this variant is likely to be disruptive. In summary, the available evidence is currently insufficient to determine the role of this variant in disease. Therefore, it has been classified as a Variant of Uncertain Significance.

Natera, Inc.
Classification: Uncertain significance for Omenn syndrome. Last evaluated: 2021-07-01. Review status: no assertion criteria provided. Collection method: clinical testing. Allele origin: germline. Not counted in ClinVar's aggregate classification.